The following is an entry in ClinVar:

ClinVar aggregate classification (germline): Uncertain significance. Review status: criteria provided, single submitter (1 of 4 stars). 2 submissions from 2 submitters: Uncertain significance (1). 1 of the submissions does not count toward it. Last evaluated 2024-10-03.

Conditions:
Frontotemporal dementia (FTD1). Also called: Frontotemporal Dementia with Parkinsonism-17 (FTDP-17); FRONTOTEMPORAL DEMENTIA WITH PARKINSONISM; FRONTOTEMPORAL LOBE DEMENTIA; MULTIPLE SYSTEM TAUOPATHY WITH PRESENILE DEMENTIA; Dementia, frontotemporal, with or without parkinsonism; WILHELMSEN-LYNCH DISEASE. Identifiers: Orphanet 282, MedGen C0338451, MONDO:0017276, OMIM 600274, HP:0002145.

Allele frequency attached by ClinVar (database versions not stated): gnomAD 0.00001; gnomAD exomes 0.00001; TOPMed 0.00001; ExAC 0.00002.
gnomAD v4.1: 19 of 1,614,008 alleles (0.0012%); highest among the groups gnomAD compares: Admixed American, 0.0017%; no homozygotes.

Submissions (2):

Labcorp Genetics (formerly Invitae), Labcorp
Classification: Uncertain significance for Frontotemporal dementia. Last evaluated: 2024-10-03. Review status: criteria provided, single submitter. Criteria: Invitae Variant Classification Sherloc (09022015). Collection method: clinical testing. Allele origin: germline.
Comment: This sequence change replaces threonine, which is neutral and polar, with methionine, which is neutral and non-polar, at codon 427 of the MAPT protein (p.Thr427Met). The frequency data for this variant in the population databases is considered unreliable, as metrics indicate poor data quality at this position in the gnomAD database. This missense change has been observed in individual(s) with frontotemporal dementia (PMID: 15940384). ClinVar contains an entry for this variant (Variation ID: 98234). Invitae Evidence Modeling of protein sequence and biophysical properties (such as structural, functional, and spatial information, amino acid conservation, physicochemical variation, residue mobility, and thermodynamic stability) indicates that this missense variant is not expected to disrupt MAPT protein function with a negative predictive value of 80%. In summary, the available evidence is currently insufficient to determine the role of this variant in disease. Therefore, it has been classified as a Variant of Uncertain Significance.

VIB  Department of Molecular Genetics, University of Antwerp
No classification provided. Review status: no classification provided. Collection method: not provided. Allele origin: not provided. Not counted in ClinVar's aggregate classification.

Literature cited by the submitters: PubMed 15940384 (cited by Labcorp Genetics (formerly Invitae), Labcorp).

NM_001377265.1(MAPT):c.2456C>T (p.Thr819Met)

Gene: MAPT (microtubule associated protein tau). Cytogenetic location: 17q21.31.
Variant type: single nucleotide variant.
Coding change: c.2456C>T on transcript NM_001377265.1 (MANE Select); coding-DNA position 2456, C replaced by T.
Protein change: p.Thr819Met; replaces threonine 819 with methionine.
Molecular consequence: missense variant. On other transcripts: non-coding transcript variant (1), intron variant (1).
Genome position (GRCh38, 1-based): chr17:46,024,125, C>T. VCF-style: chr17-46024125-C-T. GRCh37 (hg19) VCF-style: chr17-44101491-C-T.
Other names: c.2285C>T, p.Thr762Met (NM_001123066.4); c.1193C>T, p.Thr398Met (NM_001123067.4); c.1100C>T, p.Thr367Met (NM_001203251.2); c.1187C>T, p.Thr396Met (NM_001203252.2); c.2165C>T, p.Thr722Met (NM_001377266.1); c.1013C>T, p.Thr338Met (NM_001377268.1, NM_016841.5); c.1280C>T, p.Thr427Met (NM_005910.6); c.1106C>T, p.Thr369Met (NM_016834.5); and 2 more; short protein forms T744M, T367M, T427M, T338M, T369M, T396M, T398M, T762M.
Identifiers: ClinVar variation 98234 (VCV000098234.4), dbSNP rs63750991, ClinGen allele CA225500.